The following is an entry in ClinVar:

NM_000535.7(PMS2):c.2483A>C (p.Lys828Thr)

Gene: PMS2 (PMS1 homolog 2, mismatch repair system component; minus strand). Cytogenetic location: 7p22.1.
Variant type: single nucleotide variant.
Coding change: c.2483A>C on transcript NM_000535.7 (MANE Select); coding-DNA position 2483, A replaced by C.
Protein change: p.Lys828Thr; replaces lysine 828 with threonine.
Molecular consequence: missense variant. On other transcripts: non-coding transcript variant (1).
Genome position (GRCh38, 1-based): chr7:5,973,505, T>G on the plus strand (A>C on the coding strand, the complement: PMS2 is on the minus strand). VCF-style: chr7-5973505-T-G. GRCh37 (hg19) VCF-style: chr7-6013136-T-G.
Other names: c.1550A>C, p.Lys517Thr (NM_001322012.2, NM_001322011.2); c.1910A>C, p.Lys637Thr (NM_001322013.2, NM_001406908.1, NM_001406909.1); c.2516A>C, p.Lys839Thr (NM_001322014.2); c.2174A>C, p.Lys725Thr (NM_001322015.2, NM_001406882.1, NM_001406877.1 and 4 more transcripts); c.2669A>C, p.Lys890Thr (NM_001406866.1); c.2507A>C, p.Lys836Thr (NM_001406868.1); c.2375A>C, p.Lys792Thr (NM_001406869.1); c.2360A>C, p.Lys787Thr (NM_001406870.1); and 20 more; short protein forms K427T, K517T, K571T, K589T, K637T, K641T, K657T, K666T.
Identifiers: ClinVar variation 1718411 (VCV001718411.5), dbSNP rs1583270024, ClinGen allele CA366734964.
Genomic context (GRCh38, chr7:5,973,505, plus strand): 5'-GGCCTTCCATGGGGACAGTTCCAGGGGTGGTCCATCTCCCCCATGTGGGTGATCAGTTTC[T>G]TCATCTCGCTTGTGTTAAGAGCAGTCCCAATCATCACCTGAGTGTGAGACACAATGGTTC-3'
Protein context (NP_000526.2, residues 818-838): IGTALNTSEM[Lys828Thr]KLITHMGEMD

ClinVar aggregate classification (germline): Uncertain significance (1 of 4 stars; one submission).

Conditions:
Hereditary nonpolyposis colorectal neoplasms. Identifiers: MedGen C0009405, MeSH D003123.

Submission:

Labcorp Genetics (formerly Invitae), Labcorp
Classification: Uncertain significance for Hereditary nonpolyposis colorectal neoplasms. Last evaluated: 2022-08-31. Review status: criteria provided, single submitter. Criteria: Invitae Variant Classification Sherloc (09022015). Collection method: clinical testing. Allele origin: germline.
Comment: The frequency data for this variant in the population databases (gnomAD) is considered unreliable due to the presence of homologous sequence, such as pseudogenes or paralogs, in the genome. This sequence change replaces lysine, which is basic and polar, with threonine, which is neutral and polar, at codon 828 of the PMS2 protein (p.Lys828Thr). This variant has not been reported in the literature in individuals affected with PMS2-related conditions. In summary, the available evidence is currently insufficient to determine the role of this variant in disease. Therefore, it has been classified as a Variant of Uncertain Significance. Advanced modeling of protein sequence and biophysical properties (such as structural, functional, and spatial information, amino acid conservation, physicochemical variation, residue mobility, and thermodynamic stability) performed at Invitae indicates that this missense variant is not expected to disrupt PMS2 protein function.